The following is an entry in ClinVar:

ClinVar aggregate classification (germline): Pathogenic. Review status: criteria provided, multiple submitters, no conflicts (2 of 4 stars). 2 submissions from 2 submitters: Pathogenic (2). Last evaluated 2023-03-30.

Conditions:
Hereditary hemorrhagic telangiectasia (HHT). Also called: ORW DISEASE; Osler Weber Rendu syndrome; OSLER-RENDU-WEBER DISEASE; Osler hemorrhagic telangiectasia syndrome. Identifiers: Orphanet 774, MedGen C0039445, MONDO:0019180. Disease mechanism: loss of function.

Submissions (2):

Molecular Genetics, Royal Melbourne Hospital
Classification: Pathogenic for Hereditary hemorrhagic telangiectasia. Last evaluated: 2023-03-30. Review status: criteria provided, single submitter. Criteria: ACMG Guidelines, 2015. Collection method: clinical testing. Allele origin: germline. Affected: yes.
Comment: This sequence change in ENG is a nonsense variant predicted to cause a premature stop codon, p.(Ser328*) in biologically relevant-exon 7/15 leading to nonsense-mediated decay in a gene in which loss-of-function is an established disease mechanism (PMID: 20412114, 20414677, 16752392). This variant is absent from gnomAD v2.1 and v3.1. To our knowledge, this variant has not been reported in the literature in any individuals with ENG-related disease. This multi-nucleotide variant has been identified in at least one proband with a clinical diagnosis of hereditary haemorrhagic telangiectasia (Royal Melbourne Hospital). Based on the classification scheme RMH Modified ACMG Guidelines v1.5.1, this variant is classified as PATHOGENIC. Following criteria are met: PVS1, PS4_Supporting, PM2_Supporting.

Labcorp Genetics (formerly Invitae), Labcorp
Classification: Pathogenic for Hereditary hemorrhagic telangiectasia. Last evaluated: 2018-09-10. Review status: criteria provided, single submitter. Criteria: Invitae Variant Classification Sherloc (09022015). Collection method: clinical testing. Allele origin: germline.
Comment: Loss-of-function variants in ENG are known to be pathogenic (PMID: 15879500, 20656886, 22385575). For these reasons, this variant has been classified as Pathogenic. This sequence change creates a premature translational stop signal (p.Ser328*) in the ENG gene. It is expected to result in an absent or disrupted protein product. This variant is not present in population databases (ExAC no frequency). This variant has not been reported in the literature in individuals with ENG-related disease.

Literature cited by the submitters: PubMed 16752392 (cited by Molecular Genetics, Royal Melbourne Hospital); PubMed 20412114 (cited by Molecular Genetics, Royal Melbourne Hospital); PubMed 20414677 (cited by Molecular Genetics, Royal Melbourne Hospital); PubMed 15879500 (cited by Labcorp Genetics (formerly Invitae), Labcorp); PubMed 20656886 (cited by Labcorp Genetics (formerly Invitae), Labcorp); PubMed 22385575 (cited by Labcorp Genetics (formerly Invitae), Labcorp).

NM_001114753.3(ENG):c.983_984delinsAG (p.Ser328Ter)

Gene: ENG (endoglin; minus strand). Cytogenetic location: 9q34.11.
Variant type: Indel.
Coding change: c.983_984delinsAG on transcript NM_001114753.3 (MANE Select); coding-DNA positions 983 to 984, CC replaced by AG.
Protein change: p.Ser328Ter; replaces serine 328 with a stop codon.
Molecular consequence: nonsense.
Genome position (GRCh38, 1-based): chr9:127,824,807-127,824,808, GG replaced by CT on the plus strand (CC replaced by AG on the coding strand, the reverse complement: ENG is on the minus strand). VCF-style: chr9-127824807-GG-CT. GRCh37 (hg19) VCF-style: chr9-130587086-GG-CT.
Other names: c.983_984delCCinsAG (NM_001114753.3, NM_000118.3); c.983_984delCCinsAG, p.Ser328Ter (NM_000118.4, NM_001406715.1); c.437_438delinsAG, p.Ser146Ter (NM_001278138.2); short protein forms S146*, S328*.
Identifiers: ClinVar variation 665098 (VCV000665098.10), dbSNP rs1588581338, ClinGen allele CA915947173.
Genomic context (GRCh38, chr9:127,824,807, plus strand): 5'-CCACTGATCCAAGGGAGGGGAAGGGAAGGGAGGGGCAGGGGAAGGGTGCTCACCGCAGCT[GG>CT]AGGCATGAAGTGAGACAATGCTGGCCAGCGGTAGCTCCACGAAGGATGCCACAATGCTGG-3'